The following is an entry in ClinVar:

NM_005898.5(CAPRIN1):c.1562A>G (p.Asn521Ser)

Gene: CAPRIN1 (cell cycle associated protein 1; plus strand). Cytogenetic location: 11p13.
Variant type: single nucleotide variant.
Coding change: c.1562A>G on transcript NM_005898.5 (MANE Select); coding-DNA position 1562, A replaced by G.
Protein change: p.Asn521Ser; replaces asparagine 521 with serine.
Molecular consequence: missense variant.
Genome position (GRCh38, 1-based): chr11:34,091,913, A>G. VCF-style: chr11-34091913-A-G. GRCh37 (hg19) VCF-style: chr11-34113460-A-G.
Other names: c.1562A>G, p.Asn521Ser (NM_203364.3); short protein forms N521S.
Identifiers: ClinVar variation 2507145 (VCV002507145.1), dbSNP rs2496103127, ClinGen allele CA380031548.

ClinVar aggregate classification (germline): Uncertain significance (1 of 4 stars; one submission).

Allele frequency attached by ClinVar (database versions not stated): gnomAD exomes below 0.00001.
gnomAD v4.1: 2 of 1,611,418 alleles (0.00012%); highest among the groups gnomAD compares: South Asian, 0.0011%; no homozygotes.

Submission:

GeneDx
Classification: Uncertain significance. Last evaluated: 2022-12-20. Review status: criteria provided, single submitter. Criteria: GeneDx Variant Classification Process June 2021. Collection method: clinical testing. Allele origin: germline. Affected: yes.
Comment: Not observed at significant frequency in large population cohorts (gnomAD); In silico analysis supports that this missense variant has a deleterious effect on protein structure/function; Has not been previously published as pathogenic or benign to our knowledge